The following is an entry in ClinVar:

ClinVar aggregate classification (germline): Uncertain significance. Review status: criteria provided, multiple submitters, no conflicts (2 of 4 stars). 2 submissions from 2 submitters: Uncertain significance (2). Last evaluated 2025-09-11.

Conditions:
Inborn genetic diseases. Identifiers: MedGen C0950123, MeSH D030342.

Allele frequency attached by ClinVar (database versions not stated): ExAC 0.00002.
gnomAD v4.1: 21 of 1,614,190 alleles (0.0013%); highest among the groups gnomAD compares: Non-Finnish European, 0.0017%; no homozygotes.

Submissions (2):

Labcorp Genetics (formerly Invitae), Labcorp
Classification: Uncertain significance. Last evaluated: 2025-09-11. Review status: criteria provided, single submitter. Criteria: Invitae Variant Classification Sherloc (09022015). Collection method: clinical testing. Allele origin: germline.
Comment: This sequence change replaces valine, which is neutral and non-polar, with leucine, which is neutral and non-polar, at codon 25 of the KCNJ6 protein (p.Val25Leu). This variant is present in population databases (rs781654988, gnomAD 0.003%). This variant has not been reported in the literature in individuals affected with KCNJ6-related conditions. ClinVar contains an entry for this variant (Variation ID: 2168488). An algorithm developed to predict the effect of missense changes on protein structure and function (PolyPhen-2) suggests that this variant is likely to be tolerated. In summary, the available evidence is currently insufficient to determine the role of this variant in disease. Therefore, it has been classified as a Variant of Uncertain Significance.

Ambry Genetics
Classification: Uncertain significance for Inborn genetic diseases. Last evaluated: 2023-12-27. Review status: criteria provided, single submitter. Criteria: Ambry Variant Classification Scheme 2023. Collection method: clinical testing. Allele origin: germline.

NM_002240.5(KCNJ6):c.73G>T (p.Val25Leu)

Genes: KCNJ6 (potassium inwardly rectifying channel subfamily J member 6; minus strand), KCNJ6-AS1 (KCNJ6 antisense RNA 1; plus strand). Cytogenetic location: 21q22.13.
Variant type: single nucleotide variant.
Coding change: c.73G>T on transcript NM_002240.5 (MANE Select); coding-DNA position 73, G replaced by T.
Protein change: p.Val25Leu; replaces valine 25 with leucine.
Molecular consequence: missense variant.
Genome position (GRCh38, 1-based): chr21:37,715,084, C>A on the plus strand (G>T on the coding strand, the complement: KCNJ6 is on the minus strand). VCF-style: chr21-37715084-C-A. GRCh37 (hg19) VCF-style: chr21-39087387-C-A.
Other names: c.73G>T (NM_002240.2); short protein forms V25L.
Identifiers: ClinVar variation 2168488 (VCV002168488.4), dbSNP rs781654988, ClinGen allele CA10024358.